The following is an entry in ClinVar:

NM_001148.6(ANK2):c.7528C>T (p.Leu2510Phe)

Genes: ANK2 (ankyrin 2; plus strand), LOC126807137 (CDK7 strongly-dependent group 2 enhancer GRCh37_chr4:114276560-114277759; plus strand). Cytogenetic location: 4q26.
Variant type: single nucleotide variant.
Coding change: c.7528C>T on transcript NM_001148.6 (MANE Select); coding-DNA position 7528, C replaced by T.
Protein change: p.Leu2510Phe; replaces leucine 2510 with phenylalanine.
Molecular consequence: missense variant. On other transcripts: intron variant (68).
Genome position (GRCh38, 1-based): chr4:113,356,146, C>T. VCF-style: chr4-113356146-C-T. GRCh37 (hg19) VCF-style: chr4-114277302-C-T.
Other names: c.7294C>T, p.Leu2432Phe (NM_001386142.1); c.3928C>T, p.Leu1310Phe (NM_001386166.1); c.7669C>T, p.Leu2557Phe (NM_001386174.1); c.7645C>T, p.Leu2549Phe (NM_001386175.1); c.4412-4677C>T (NM_001386186.2, NM_001386148.2); c.4214-4677C>T (NM_001354269.3); c.4292-4677C>T (NM_001386187.2); c.4253-4677C>T (NM_001386147.1); and 35 more; short protein forms L2510F, L1310F, L2432F, L2549F, L2557F.
Identifiers: ClinVar variation 457051 (VCV000457051.9), dbSNP rs1293101023, ClinGen allele CA357930641.
Genomic context (GRCh38, chr4:113,356,146, plus strand): 5'-CCTGCAGCTGTTGCCAAAACAGAACTCTTGACGGAAGTGGCCTCTGTGCGGTCCCGGCTA[C>T]TCCGAGACCCTGATGGCAGTGCTGAGGATGACAGTCTTGAGCAGACATCGCTCATGGAGA-3'
Protein context (NP_001139.3, residues 2500-2520): TEVASVRSRL[Leu2510Phe]RDPDGSAEDD

ClinVar aggregate classification (germline): Uncertain significance. Review status: criteria provided, multiple submitters, no conflicts (2 of 4 stars). 3 submissions from 3 submitters: Uncertain significance (3). Last evaluated 2025-12-15.

Conditions:
Cardiovascular phenotype. Identifiers: MedGen CN230736.
Cardiac arrhythmia, ankyrin-B-related. Also called: ANKYRIN-B SYNDROME. Identifiers: Orphanet 101016, Orphanet 768, MedGen C1970119, MONDO:0010958, OMIM 600919.
Long QT syndrome (LQTS). Identifiers: MedGen C0023976, MeSH D008133, MONDO:0002442. Disease mechanism: loss of function. Inheritance: Various modes of inheritance.

Allele frequency attached by ClinVar (database versions not stated): TOPMed 0.00002; gnomAD exomes 0.00001.
gnomAD v4.1: 15 of 1,614,094 alleles (0.00093%); highest among the groups gnomAD compares: Non-Finnish European, 0.0011%; no homozygotes.

Submissions (3):

Ambry Genetics
Classification: Uncertain significance for Cardiovascular phenotype. Last evaluated: 2025-12-15. Review status: criteria provided, single submitter. Criteria: Ambry Variant Classification Scheme 2023. Collection method: clinical testing. Allele origin: germline.

Labcorp Genetics (formerly Invitae), Labcorp
Classification: Uncertain significance for Long QT syndrome. Last evaluated: 2023-11-17. Review status: criteria provided, single submitter. Criteria: Invitae Variant Classification Sherloc (09022015). Collection method: clinical testing. Allele origin: germline.
Comment: This sequence change replaces leucine, which is neutral and non-polar, with phenylalanine, which is neutral and non-polar, at codon 2510 of the ANK2 protein (p.Leu2510Phe). This variant is present in population databases (no rsID available, gnomAD 0.003%). This variant has not been reported in the literature in individuals affected with ANK2-related conditions. ClinVar contains an entry for this variant (Variation ID: 457051). An algorithm developed to predict the effect of missense changes on protein structure and function (PolyPhen-2) suggests that this variant is likely to be disruptive. In summary, the available evidence is currently insufficient to determine the role of this variant in disease. Therefore, it has been classified as a Variant of Uncertain Significance.

Fulgent Genetics
Classification: Uncertain significance for Cardiac arrhythmia, ankyrin-B-related. Last evaluated: 2021-08-13. Review status: criteria provided, single submitter. Criteria: ACMG Guidelines, 2015. Collection method: clinical testing. Allele origin: unknown.